The following is an entry in ClinVar:

NM_001042492.3(NF1):c.5785G>C (p.Glu1929Gln)

Gene: NF1 (neurofibromin 1; plus strand). Cytogenetic location: 17q11.2.
Variant type: single nucleotide variant.
Coding change: c.5785G>C on transcript NM_001042492.3 (MANE Select); coding-DNA position 5785, G replaced by C.
Protein change: p.Glu1929Gln; replaces glutamic acid 1929 with glutamine.
Molecular consequence: missense variant.
Genome position (GRCh38, 1-based): chr17:31,330,471, G>C. VCF-style: chr17-31330471-G-C. GRCh37 (hg19) VCF-style: chr17-29657489-G-C.
Other names: c.5722G>C, p.Glu1908Gln (NM_000267.4); short protein forms E1908Q, E1929Q.
Identifiers: ClinVar variation 1749290 (VCV001749290.5), dbSNP rs2069454068, ClinGen allele CA399010469.

ClinVar aggregate classification (germline): Uncertain significance. Review status: criteria provided, multiple submitters, no conflicts (2 of 4 stars). 3 submissions from 3 submitters: Uncertain significance (3). Last evaluated 2026-05-01.

Conditions:
Neurofibromatosis, type 1 (NF1). Also called: Peripheral type neurofibromatosis; NEUROFIBROMATOSIS, TYPE I, SOMATIC; Neurofibromatosis, type I; VON RECKLINGHAUSEN DISEASE. Identifiers: Orphanet 636, MedGen C0027831, MONDO:0018975, OMIM 162200. Disease mechanism: loss of function.
Cardiovascular phenotype. Identifiers: MedGen CN230736.
Hereditary cancer-predisposing syndrome. Also called: Neoplastic Syndromes, Hereditary; Tumor predisposition; Hereditary Cancer Syndrome; Hereditary neoplastic syndrome. Identifiers: Orphanet 140162, MedGen C0027672, MeSH D009386, MONDO:0015356.

Submissions (3):

Ambry Genetics
Classification: Uncertain significance for Cardiovascular phenotype; Hereditary cancer-predisposing syndrome. Last evaluated: 2026-05-01. Review status: criteria provided, single submitter. Criteria: Ambry Variant Classification Scheme 2023. Collection method: clinical testing. Allele origin: germline.
Comment: The p.E1908Q variant (also known as c.5722G>C), located in coding exon 38 of the NF1 gene, results from a G to C substitution at nucleotide position 5722. The glutamic acid at codon 1908 is replaced by glutamine, an amino acid with highly similar properties. This amino acid position is conserved. In addition, this alteration is predicted to be deleterious by in silico analysis. Based on the available evidence, the clinical significance of this variant remains unclear.

3billion
Classification: Uncertain significance for Neurofibromatosis, type 1. Last evaluated: 2024-01-22. Review status: criteria provided, single submitter. Criteria: ACMG Guidelines, 2015. Collection method: clinical testing. Allele origin: germline. Affected: yes.
Comment: The variant is not observed in the gnomAD v2.1.1 dataset. Predicted Consequence/Location: Missense variant In silico tool predictions suggest damaging effect of the variant on gene or gene product [REVEL: 0.89 (>=0.6, sensitivity 0.68 and specificity 0.92); 3Cnet: 0.76 (>=0.6, sensitivity 0.72 and precision 0.9)]. Therefore, this variant is classified as VUS according to the recommendation of ACMG/AMP guideline.

GeneDx
Classification: Uncertain significance. Last evaluated: 2022-09-29. Review status: criteria provided, single submitter. Criteria: GeneDx Variant Classification Process June 2021. Collection method: clinical testing. Allele origin: germline. Affected: yes.
Comment: Not observed at significant frequency in large population cohorts (gnomAD); In silico analysis supports that this missense variant has a deleterious effect on protein structure/function; Has not been previously published as pathogenic or benign to our knowledge